The following is an entry in ClinVar:

ClinVar aggregate classification (germline): Uncertain significance (0 of 4 stars; one submission).

Conditions:
PKHD1L1-related disorder. Also called: PKHD1L1-related condition.

gnomAD v4.1: 1 of 1,613,088 alleles (0.000062%); highest among the groups gnomAD compares: Admixed American, 0.0017%; no homozygotes.

Submission:

PreventionGenetics, part of Exact Sciences
Classification: Uncertain significance for PKHD1L1-related condition. Last evaluated: 2024-08-06. Review status: no assertion criteria provided. Collection method: clinical testing. Allele origin: germline.
Comment: The PKHD1L1 c.7468G>A variant is predicted to result in the amino acid substitution p.Val2490Ile. To our knowledge, this variant has not been reported in the literature. This variant is reported in 0.0058% of alleles in individuals of Latino descent in gnomAD. At this time, the clinical significance of this variant is uncertain due to the absence of conclusive functional and genetic evidence.

NM_177531.6(PKHD1L1):c.7468G>A (p.Val2490Ile)

Gene: PKHD1L1 (PKHD1 like 1; plus strand). Cytogenetic location: 8q23.1.
Variant type: single nucleotide variant.
Coding change: c.7468G>A on transcript NM_177531.6 (MANE Select); coding-DNA position 7468, G replaced by A.
Protein change: p.Val2490Ile; replaces valine 2490 with isoleucine.
Molecular consequence: missense variant.
Genome position (GRCh38, 1-based): chr8:109,464,300, G>A. VCF-style: chr8-109464300-G-A. GRCh37 (hg19) VCF-style: chr8-110476529-G-A.
Other names: short protein forms V2490I.
Identifiers: ClinVar variation 3358019 (VCV003358019.1).